The following is an entry in ClinVar:

NM_007194.4(CHEK2):c.1131G>T (p.Glu377Asp)

Gene: CHEK2 (checkpoint kinase 2; minus strand). Cytogenetic location: 22q12.1.
Variant type: single nucleotide variant.
Coding change: c.1131G>T on transcript NM_007194.4 (MANE Select); coding-DNA position 1131, G replaced by T.
Protein change: p.Glu377Asp; replaces glutamic acid 377 with aspartic acid.
Molecular consequence: missense variant.
Genome position (GRCh38, 1-based): chr22:28,695,838, C>A on the plus strand (G>T on the coding strand, the complement: CHEK2 is on the minus strand). VCF-style: chr22-28695838-C-A. GRCh37 (hg19) VCF-style: chr22-29091826-C-A.
Other names: c.1260G>T, p.Glu420Asp (NM_001005735.3); c.468G>T, p.Glu156Asp (NM_001257387.3, NM_001437942.1); c.930G>T, p.Glu310Asp (NM_001349956.3); c.1224G>T, p.Glu408Asp (NM_001438293.1); c.1173G>T, p.Glu391Asp (NM_001438294.1); c.1137G>T, p.Glu379Asp (NM_001438295.1); c.1044G>T, p.Glu348Asp (NM_145862.3); short protein forms E310D, E377D, E408D, E420D, E156D, E348D, E379D, E391D.
Identifiers: ClinVar variation 4718924 (VCV004718924.1).

ClinVar aggregate classification (germline): Uncertain significance (1 of 4 stars; one submission).

Conditions:
Familial cancer of breast. Also called: hereditary breast carcinoma; BREAST CANCER, FAMILIAL; Hereditary breast cancer. Identifiers: Orphanet 227535, MedGen C0346153, MONDO:0016419, OMIM 114480. Disease mechanism: loss of function.

Submission:

Labcorp Genetics (formerly Invitae), Labcorp
Classification: Uncertain significance for Familial cancer of breast. Last evaluated: 2025-08-28. Review status: criteria provided, single submitter. Criteria: Invitae Variant Classification Sherloc (09022015). Collection method: clinical testing. Allele origin: germline.
Comment: This sequence change replaces glutamic acid, which is acidic and polar, with aspartic acid, which is acidic and polar, at codon 377 of the CHEK2 protein (p.Glu377Asp). This variant is not present in population databases (gnomAD no frequency). This variant has not been reported in the literature in individuals affected with CHEK2-related conditions. An algorithm developed to predict the effect of missense changes on protein structure and function (PolyPhen-2) suggests that this variant is likely to be tolerated. In summary, the available evidence is currently insufficient to determine the role of this variant in disease. Therefore, it has been classified as a Variant of Uncertain Significance.